The following is an entry in ClinVar:

NM_001384474.1(LOXHD1):c.2648C>T (p.Thr883Met)

Gene: LOXHD1 (lipoxygenase homology PLAT domains 1; minus strand). Cytogenetic location: 18q21.1.
Variant type: single nucleotide variant.
Coding change: c.2648C>T on transcript NM_001384474.1 (MANE Select); coding-DNA position 2648, C replaced by T.
Protein change: p.Thr883Met; replaces threonine 883 with methionine.
Molecular consequence: missense variant.
Genome position (GRCh38, 1-based): chr18:46,560,496, G>A on the plus strand (C>T on the coding strand, the complement: LOXHD1 is on the minus strand). VCF-style: chr18-46560496-G-A. GRCh37 (hg19) VCF-style: chr18-44140459-G-A.
Other names: c.2648C>T, p.Thr883Met (NM_144612.7); short protein forms T883M.
Identifiers: ClinVar variation 326857 (VCV000326857.6), dbSNP rs186315227, ClinGen allele CA8952639.

ClinVar aggregate classification (germline): Uncertain significance. Review status: criteria provided, multiple submitters, no conflicts (2 of 4 stars). 2 submissions from 2 submitters: Uncertain significance (2). Last evaluated 2022-07-19.

Conditions:
Autosomal recessive nonsyndromic hearing loss 77. Identifiers: Orphanet 90636, MedGen C2746083, MONDO:0013119, OMIM 613079.

Allele frequency attached by ClinVar (database versions not stated): ExAC below 0.00001; gnomAD 0.00001 and 0.00006; TOPMed 0.00003; gnomAD exomes 0.00012; 1000 Genomes Project 30x 0.00031; 1000 Genomes Project 0.00040.
gnomAD v4.1: 331 of 1,537,796 alleles (0.022%); highest among the groups gnomAD compares: East Asian, 0.79%; 2 homozygotes.

Submissions (2):

Labcorp Genetics (formerly Invitae), Labcorp
Classification: Uncertain significance. Last evaluated: 2022-07-19. Review status: criteria provided, single submitter. Criteria: Invitae Variant Classification Sherloc (09022015). Collection method: clinical testing. Allele origin: germline.
Comment: This sequence change replaces threonine, which is neutral and polar, with methionine, which is neutral and non-polar, at codon 883 of the LOXHD1 protein (p.Thr883Met). This variant is present in population databases (rs186315227, gnomAD 0.1%). This variant has not been reported in the literature in individuals affected with LOXHD1-related conditions. ClinVar contains an entry for this variant (Variation ID: 326857). Algorithms developed to predict the effect of missense changes on protein structure and function are either unavailable or do not agree on the potential impact of this missense change (SIFT: "Deleterious"; PolyPhen-2: "Possibly Damaging"; Align-GVGD: "Class C0"). In summary, the available evidence is currently insufficient to determine the role of this variant in disease. Therefore, it has been classified as a Variant of Uncertain Significance.

Illumina Laboratory Services, Illumina
Classification: Uncertain significance for Autosomal recessive nonsyndromic hearing loss 77. Last evaluated: 2018-01-13. Review status: criteria provided, single submitter. Criteria: ICSL Variant Classification Criteria 13 December 2019. Collection method: clinical testing. Allele origin: germline.